The following is an entry in ClinVar:

NM_001172509.2(SATB2):c.215C>G (p.Ser72Cys)

Gene: SATB2 (SATB homeobox 2; minus strand). Cytogenetic location: 2q33.1.
Variant type: single nucleotide variant.
Coding change: c.215C>G on transcript NM_001172509.2 (MANE Select); coding-DNA position 215, C replaced by G.
Protein change: p.Ser72Cys; replaces serine 72 with cysteine.
Molecular consequence: missense variant. On other transcripts: non-coding transcript variant (1).
Genome position (GRCh38, 1-based): chr2:199,433,469, G>C on the plus strand (C>G on the coding strand, the complement: SATB2 is on the minus strand). VCF-style: chr2-199433469-G-C. GRCh37 (hg19) VCF-style: chr2-200298192-G-C.
Other names: c.215C>G (NM_015265.3); c.215C>G, p.Ser72Cys (NM_001172517.1, NM_015265.4); short protein forms S72C.
Identifiers: ClinVar variation 2851297 (VCV002851297.4), dbSNP rs755238845, ClinGen allele CA2046134.

ClinVar aggregate classification (germline): Uncertain significance. Review status: criteria provided, multiple submitters, no conflicts (2 of 4 stars). 2 submissions from 2 submitters: Uncertain significance (2). Last evaluated 2024-05-24.

Conditions:
Inborn genetic diseases. Identifiers: MedGen C0950123, MeSH D030342.
Chromosome 2q32-q33 deletion syndrome (GLASS). Also called: 2q33.1 deletion syndrome; Glass syndrome. Identifiers: Orphanet 251019, MedGen C2676739, MONDO:0012864, OMIM 612313.

gnomAD v4.1: 1 of 1,614,140 alleles (0.000062%); highest among the groups gnomAD compares: South Asian, 0.0011%; no homozygotes.

Submissions (2):

Ambry Genetics
Classification: Uncertain significance for Inborn genetic diseases. Last evaluated: 2024-05-24. Review status: criteria provided, single submitter. Criteria: Ambry Variant Classification Scheme 2023. Collection method: clinical testing. Allele origin: germline.

Labcorp Genetics (formerly Invitae), Labcorp
Classification: Uncertain significance for Chromosome 2q32-q33 deletion syndrome. Last evaluated: 2023-03-31. Review status: criteria provided, single submitter. Criteria: Invitae Variant Classification Sherloc (09022015). Collection method: clinical testing. Allele origin: germline.
Comment: This sequence change replaces serine, which is neutral and polar, with cysteine, which is neutral and slightly polar, at codon 72 of the SATB2 protein (p.Ser72Cys). In summary, the available evidence is currently insufficient to determine the role of this variant in disease. Therefore, it has been classified as a Variant of Uncertain Significance. Advanced modeling of protein sequence and biophysical properties (such as structural, functional, and spatial information, amino acid conservation, physicochemical variation, residue mobility, and thermodynamic stability) performed at Invitae indicates that this missense variant is not expected to disrupt SATB2 protein function. This variant has not been reported in the literature in individuals affected with SATB2-related conditions. This variant is present in population databases (rs755238845, gnomAD 0.003%).